The following is an entry in ClinVar:

ClinVar aggregate classification (germline): Uncertain significance (1 of 4 stars; one submission).

Submission:

Ambry Genetics
Classification: Uncertain significance. Last evaluated: 2025-09-19. Review status: criteria provided, single submitter. Criteria: Ambry Variant Classification Scheme 2023. Collection method: clinical testing. Allele origin: germline.
Comment: The p.K361E variant (also known as c.1081A>G), located in coding exon 8 of the RINT1 gene, results from an A to G substitution at nucleotide position 1081. The lysine at codon 361 is replaced by glutamic acid, an amino acid with similar properties. This amino acid position is conserved. In addition, this alteration is predicted to be tolerated by in silico analysis. Since supporting evidence is limited at this time, the clinical significance of this alteration remains unclear.

NM_021930.6(RINT1):c.1081A>G (p.Lys361Glu)

Gene: RINT1 (RAD50 interactor 1; plus strand). Cytogenetic location: 7q22.3.
Variant type: single nucleotide variant.
Coding change: c.1081A>G on transcript NM_021930.6 (MANE Select); coding-DNA position 1081, A replaced by G.
Protein change: p.Lys361Glu; replaces lysine 361 with glutamic acid.
Molecular consequence: missense variant. On other transcripts: non-coding transcript variant (1).
Genome position (GRCh38, 1-based): chr7:105,550,139, A>G. VCF-style: chr7-105550139-A-G. GRCh37 (hg19) VCF-style: chr7-105190586-A-G.
Other names: c.847A>G, p.Lys283Glu (NM_001346599.2); c.58A>G, p.Lys20Glu (NM_001346600.2, NM_001346603.2); c.157A>G, p.Lys53Glu (NM_001346601.2); short protein forms K20E, K283E, K361E, K53E.
Identifiers: ClinVar variation 1786502 (VCV001786502.3), dbSNP rs2485132178, ClinGen allele CA368808540.